The following is an entry in ClinVar:

NM_000136.3(FANCC):c.295A>G (p.Asn99Asp)

Gene: FANCC (FA complementation group C; minus strand). Cytogenetic location: 9q22.32.
Variant type: single nucleotide variant.
Coding change: c.295A>G on transcript NM_000136.3 (MANE Select); coding-DNA position 295, A replaced by G.
Protein change: p.Asn99Asp; replaces asparagine 99 with aspartic acid.
Molecular consequence: missense variant.
Genome position (GRCh38, 1-based): chr9:95,240,699, T>C on the plus strand (A>G on the coding strand, the complement: FANCC is on the minus strand). VCF-style: chr9-95240699-T-C. GRCh37 (hg19) VCF-style: chr9-98002981-T-C.
Other names: c.295A>G, p.Asn99Asp (NM_001243743.2, NM_001243744.2); short protein forms N99D.
Identifiers: ClinVar variation 3665137 (VCV003665137.2).
Genomic context (GRCh38, chr9:95,240,699, plus strand): 5'-ACTCTCTTACCTGTATCCAGGAGTTAAGTTTTGATTGTCCAGAATTCTGTGGTTCTTTGT[T>C]AATTAGACAACATAAGCACCATATTAGAATTTTTTGGCTTTCATCTACAAAAAGGAAAAC-3'
Protein context (NP_000127.2, residues 89-109): ILIWCLCCLI[Asn99Asp]KEPQNSGQSK

ClinVar aggregate classification (germline): Uncertain significance (1 of 4 stars; one submission).

Conditions:
Fanconi anemia (FA). Also called: Fanconi's anemia. Identifiers: Orphanet 84, MedGen C0015625, MeSH D005199, MONDO:0019391.

Submission:

Labcorp Genetics (formerly Invitae), Labcorp
Classification: Uncertain significance for Fanconi anemia. Last evaluated: 2024-11-11. Review status: criteria provided, single submitter. Criteria: Invitae Variant Classification Sherloc (09022015). Collection method: clinical testing. Allele origin: germline.
Comment: This sequence change replaces asparagine, which is neutral and polar, with aspartic acid, which is acidic and polar, at codon 99 of the FANCC protein (p.Asn99Asp). This variant is not present in population databases (gnomAD no frequency). This variant has not been reported in the literature in individuals affected with FANCC-related conditions. Invitae Evidence Modeling of protein sequence and biophysical properties (such as structural, functional, and spatial information, amino acid conservation, physicochemical variation, residue mobility, and thermodynamic stability) indicates that this missense variant is not expected to disrupt FANCC protein function with a negative predictive value of 80%. In summary, the available evidence is currently insufficient to determine the role of this variant in disease. Therefore, it has been classified as a Variant of Uncertain Significance.